The following is an entry in ClinVar:

NM_000321.3(RB1):c.-69G>C

Gene: RB1 (RB transcriptional corepressor 1; plus strand). Cytogenetic location: 13q14.2.
Variant type: single nucleotide variant.
Coding change: c.-69G>C on transcript NM_000321.3 (MANE Select); 69 bases upstream of the start codon, G replaced by C.
Molecular consequence: 5 prime UTR variant.
Genome position (GRCh38, 1-based): chr13:48,303,844, G>C. VCF-style: chr13-48303844-G-C. GRCh37 (hg19) VCF-style: chr13-48877980-G-C.
Identifiers: ClinVar variation 312281 (VCV000312281.14), dbSNP rs753117180, ClinGen allele CA10643552.

ClinVar aggregate classification (germline): Conflicting classifications of pathogenicity. Review status: criteria provided, conflicting classifications (1 of 4 stars). 4 submissions from 4 submitters: Uncertain significance (2); Benign (1); Likely benign (1). Last evaluated 2026-06-01.

Conditions:
Hereditary cancer-predisposing syndrome. Also called: Tumor predisposition; Neoplastic Syndromes, Hereditary; Hereditary neoplastic syndrome; Hereditary Cancer Syndrome. Identifiers: Orphanet 140162, MedGen C0027672, MeSH D009386, MONDO:0015356.
Retinoblastoma (RB1). Also called: RETINOBLASTOMA, SOMATIC. Identifiers: Orphanet 790, MedGen C0035335, MeSH D012175, MONDO:0008380, OMIM 180200, HP:0009919. Disease mechanism: loss of function. Inheritance: Both sporadic and heritable forms are tested..

Allele frequency attached by ClinVar (database versions not stated): TOPMed 0.00012; gnomAD 0.00014 and 0.00027; gnomAD exomes 0.00035; 1000 Genomes Project 30x 0.00062.
gnomAD v4.1: 512 of 1,495,328 alleles (0.034%); highest among the groups gnomAD compares: South Asian, 0.36%; 5 homozygotes.

Submissions (4):

CeGaT Center for Human Genetics Tuebingen
Classification: Likely benign. Last evaluated: 2026-06-01. Review status: criteria provided, single submitter. Criteria: CeGaT Center For Human Genetics Tuebingen Variant Classification Criteria Version 2. Collection method: clinical testing. Allele origin: germline. Affected: yes. Observed: 1 variant allele.
Comment: RB1: BS1

Labcorp Genetics (formerly Invitae), Labcorp
Classification: Benign for Retinoblastoma. Last evaluated: 2026-01-19. Review status: criteria provided, single submitter. Criteria: Invitae Variant Classification Sherloc (09022015). Collection method: clinical testing. Allele origin: germline.

Sema4
Classification: Uncertain significance for Hereditary cancer-predisposing syndrome. Last evaluated: 2021-05-06. Review status: criteria provided, single submitter. Criteria: Sema4 Curation Guidelines. Collection method: curation. Allele origin: germline.
Comment: The RB1 c.-69G>C variant has been reported in at least one individual with retinoblastoma however the variant was inherited from a healthy parent (PMID: 25754945). It was observed in 2/15346 chromosomes of the Non-Finnish European subpopulation in the large and broad cohorts of the Genome Aggregation Database (PMID: 32461654). The variant has been reported in ClinVar (Variation ID 312281). The evidence is insufficient to meet ACMG/AMP criteria for classifying the variant as benign or pathogenic. Thus, the clinical significance of this variant is currently uncertain.

Illumina Laboratory Services, Illumina
Classification: Uncertain significance for Retinoblastoma. Last evaluated: 2018-01-13. Review status: criteria provided, single submitter. Criteria: ICSL Variant Classification Criteria 13 December 2019. Collection method: clinical testing. Allele origin: germline.

Literature cited by the submitters: PubMed 25754945 (cited by Sema4).